The following is an entry in ClinVar:

NM_006579.3(EBP):c.475A>C (p.Ile159Leu)

Gene: EBP (EBP cholestenol delta-isomerase; plus strand). Cytogenetic location: Xp11.23.
Variant type: single nucleotide variant.
Coding change: c.475A>C on transcript NM_006579.3 (MANE Select); coding-DNA position 475, A replaced by C.
Protein change: p.Ile159Leu; replaces isoleucine 159 with leucine.
Molecular consequence: missense variant.
Genome position (GRCh38, 1-based): chrX:48,528,239, A>C. VCF-style: chrX-48528239-A-C. GRCh37 (hg19) VCF-style: chrX-48386627-A-C.
Other names: short protein forms I159L.
Identifiers: ClinVar variation 1302411 (VCV001302411.2), dbSNP rs1556977736, ClinGen allele CA412852711.
Genomic context (GRCh38, chrX:48,528,239, plus strand): 5'-GCGAAAGTGTCCCCTTCCTCACTGGGGCTTCTCCTTCCCCTCCTGCCACCCACAGGCCAG[A>C]TCTATGGGGATGTGCTCTACTTCCTGACAGAGCACCGCGACGGATTCCAGCACGGAGAGC-3'
Protein context (NP_006570.1, residues 149-169): ILQLVVSVGQ[Ile159Leu]YGDVLYFLTE

ClinVar aggregate classification (germline): Uncertain significance (1 of 4 stars; one submission).

Submission:

GeneDx
Classification: Uncertain significance. Last evaluated: 2021-04-20. Review status: criteria provided, single submitter. Criteria: GeneDx Variant Classification Process June 2021. Collection method: clinical testing. Allele origin: germline. Affected: yes.
Comment: Not observed in large population cohorts (Lek et al., 2016); In silico analysis supports that this missense variant does not alter protein structure/function; Has not been previously published as pathogenic or benign to our knowledge